The following is an entry in ClinVar:

NM_016169.4(SUFU):c.883A>G (p.Thr295Ala)

Gene: SUFU (SUFU negative regulator of hedgehog signaling; plus strand). Cytogenetic location: 10q24.32.
Variant type: single nucleotide variant.
Coding change: c.883A>G on transcript NM_016169.4 (MANE Select); coding-DNA position 883, A replaced by G.
Protein change: p.Thr295Ala; replaces threonine 295 with alanine.
Molecular consequence: missense variant.
Genome position (GRCh38, 1-based): chr10:102,597,266, A>G. VCF-style: chr10-102597266-A-G. GRCh37 (hg19) VCF-style: chr10-104357023-A-G.
Other names: c.883A>G, p.Thr295Ala (NM_001178133.2); short protein forms T295A.
Identifiers: ClinVar variation 2945217 (VCV002945217.4), dbSNP rs2135882194, ClinGen allele CA377910802.

ClinVar aggregate classification (germline): Uncertain significance. Review status: criteria provided, multiple submitters, no conflicts (2 of 4 stars). 2 submissions from 2 submitters: Uncertain significance (2). Last evaluated 2025-04-04.

Conditions:
Hereditary cancer-predisposing syndrome. Also called: Hereditary neoplastic syndrome; Neoplastic Syndromes, Hereditary; Tumor predisposition; Hereditary Cancer Syndrome. Identifiers: Orphanet 140162, MedGen C0027672, MeSH D009386, MONDO:0015356.
Gorlin syndrome. Also called: Nevoid Basal Cell Carcinoma Syndrome; Basal cell nevus syndrome. Identifiers: Orphanet 377, MedGen C0004779, MONDO:0007187.
Medulloblastoma (MDB). Also called: MEDULLOBLASTOMA PREDISPOSITION SYNDROME; Medulloblastoma, somatic. Identifiers: Orphanet 616, MedGen C0025149, MeSH D008527, MONDO:0007959, OMIM 155255, HP:0002885.

Submissions (2):

Ambry Genetics
Classification: Uncertain significance for Hereditary cancer-predisposing syndrome. Last evaluated: 2025-04-04. Review status: criteria provided, single submitter. Criteria: Ambry Variant Classification Scheme 2023. Collection method: clinical testing. Allele origin: germline.
Comment: The p.T295A variant (also known as c.883A>G), located in coding exon 7 of the SUFU gene, results from an A to G substitution at nucleotide position 883. The threonine at codon 295 is replaced by alanine, an amino acid with similar properties. This amino acid position is conserved. In addition, this alteration is predicted to be tolerated by in silico analysis. Based on the available evidence, the clinical significance of this variant remains unclear.

Labcorp Genetics (formerly Invitae), Labcorp
Classification: Uncertain significance for Gorlin syndrome; Medulloblastoma. Last evaluated: 2024-12-29. Review status: criteria provided, single submitter. Criteria: Invitae Variant Classification Sherloc (09022015). Collection method: clinical testing. Allele origin: germline.
Comment: This sequence change replaces threonine, which is neutral and polar, with alanine, which is neutral and non-polar, at codon 295 of the SUFU protein (p.Thr295Ala). This variant is not present in population databases (gnomAD no frequency). This variant has not been reported in the literature in individuals affected with SUFU-related conditions. ClinVar contains an entry for this variant (Variation ID: 2945217). Invitae Evidence Modeling of protein sequence and biophysical properties (such as structural, functional, and spatial information, amino acid conservation, physicochemical variation, residue mobility, and thermodynamic stability) indicates that this missense variant is not expected to disrupt SUFU protein function with a negative predictive value of 80%. In summary, the available evidence is currently insufficient to determine the role of this variant in disease. Therefore, it has been classified as a Variant of Uncertain Significance.